The following is an entry in ClinVar:

ClinVar aggregate classification (germline): Uncertain significance (1 of 4 stars; one submission).

Conditions:
Trichorhinophalangeal dysplasia type I (TRPS1). Also called: TRICHORHINOPHALANGEAL SYNDROME, TYPE I; TRPS I. Identifiers: Orphanet 77258, MedGen C0432233, MONDO:0008596, OMIM 190350.
Trichorhinophalangeal syndrome, type III (TRPS3). Also called: SUGIO-KAJII SYNDROME. Identifiers: Orphanet 77258, MedGen C1860823, OMIM 190351, MONDO:0008597.

gnomAD v4.1: 21 of 1,614,074 alleles (0.0013%); highest among the groups gnomAD compares: Non-Finnish European, 0.0016%; no homozygotes.

Submission:

Labcorp Genetics (formerly Invitae), Labcorp
Classification: Uncertain significance for Trichorhinophalangeal syndrome, type III; Trichorhinophalangeal dysplasia type I. Last evaluated: 2024-08-29. Review status: criteria provided, single submitter. Criteria: Invitae Variant Classification Sherloc (09022015). Collection method: clinical testing. Allele origin: germline.
Comment: This sequence change replaces arginine, which is basic and polar, with lysine, which is basic and polar, at codon 841 of the TRPS1 protein (p.Arg841Lys). This variant is present in population databases (rs374086025, gnomAD 0.005%). This variant has not been reported in the literature in individuals affected with TRPS1-related conditions. Invitae Evidence Modeling of protein sequence and biophysical properties (such as structural, functional, and spatial information, amino acid conservation, physicochemical variation, residue mobility, and thermodynamic stability) indicates that this missense variant is not expected to disrupt TRPS1 protein function with a negative predictive value of 80%. In summary, the available evidence is currently insufficient to determine the role of this variant in disease. Therefore, it has been classified as a Variant of Uncertain Significance.

NM_014112.5(TRPS1):c.2522G>A (p.Arg841Lys)

Gene: TRPS1 (transcriptional repressor GATA binding 1; minus strand). Cytogenetic location: 8q23.3.
Variant type: single nucleotide variant.
Coding change: c.2522G>A on transcript NM_014112.5 (MANE Select); coding-DNA position 2522, G replaced by A.
Protein change: p.Arg841Lys; replaces arginine 841 with lysine.
Molecular consequence: missense variant.
Genome position (GRCh38, 1-based): chr8:115,587,179, C>T on the plus strand (G>A on the coding strand, the complement: TRPS1 is on the minus strand). VCF-style: chr8-115587179-C-T. GRCh37 (hg19) VCF-style: chr8-116599406-C-T.
Other names: c.2495G>A, p.Arg832Lys (NM_001282902.3); c.2501G>A, p.Arg834Lys (NM_001282903.3); c.2483G>A, p.Arg828Lys (NM_001330599.2); short protein forms R828K, R832K, R834K, R841K.
Identifiers: ClinVar variation 3752245 (VCV003752245.2).
Genomic context (GRCh38, chr8:115,587,179, plus strand): 5'-TCCACAGCCAAGCCATAAATAGGTCGCGCCAGATGGGCGGCCTCCACATTGGGACTATCC[C>T]TTAGAGTCTTTGTCTGCTCTTGGGTGCCAGACACAGGCGTCAGCAGCCCCAGGCTTGCTT-3'
Protein context (NP_054831.2, residues 831-851): SGTQEQTKTL[Arg841Lys]DSPNVEAAHL